The following is an entry in ClinVar:

NM_174916.3(UBR1):c.417+1G>A

Gene: UBR1 (ubiquitin protein ligase E3 component n-recognin 1; minus strand). Cytogenetic location: 15q15.2.
Variant type: single nucleotide variant.
Coding change: c.417+1G>A on transcript NM_174916.3 (MANE Select); the canonical splice donor site of the intron after coding-DNA position 417, G replaced by A.
Molecular consequence: splice donor variant.
Genome position (GRCh38, 1-based): chr15:43,082,637, C>T on the plus strand (G>A on the coding strand, the complement: UBR1 is on the minus strand). VCF-style: chr15-43082637-C-T. GRCh37 (hg19) VCF-style: chr15-43374835-C-T.
Identifiers: ClinVar variation 2629651 (VCV002629651.1), dbSNP rs2543041315, ClinGen allele CA392084235.

ClinVar aggregate classification (germline): Likely pathogenic (1 of 4 stars; one submission).

Conditions:
UBR1-related disorder. Also called: UBR1-related condition.

Allele frequency attached by ClinVar (database versions not stated): gnomAD exomes below 0.00001.
gnomAD v4.1: 2 of 1,613,062 alleles (0.00012%); highest among the groups gnomAD compares: Non-Finnish European, 0.00017%; no homozygotes.

Submission:

PreventionGenetics, part of Exact Sciences
Classification: Likely pathogenic for UBR1-related condition. Last evaluated: 2022-12-19. Review status: criteria provided, single submitter. Criteria: ACMG Guidelines, 2015. Collection method: clinical testing. Allele origin: germline.
Comment: The UBR1 c.417+1G>A variant is predicted to disrupt the GT donor site and interfere with normal splicing. To our knowledge, this variant has not been reported in the literature or in a large population database, indicating this variant is rare. Variants that disrupt the consensus splice donor site in UBR1 are expected to be pathogenic. This variant is interpreted as likely pathogenic.